The following is an entry in ClinVar:

ClinVar aggregate classification (germline): Uncertain significance. Review status: criteria provided, multiple submitters, no conflicts (2 of 4 stars). 2 submissions from 2 submitters: Uncertain significance (2). Last evaluated 2026-08-09.

Conditions:
Cardiovascular phenotype. Identifiers: MedGen CN230736.
Hereditary hemorrhagic telangiectasia (HHT). Also called: Osler hemorrhagic telangiectasia syndrome; ORW DISEASE; Osler Weber Rendu syndrome; OSLER-RENDU-WEBER DISEASE. Identifiers: Orphanet 774, MedGen C0039445, MONDO:0019180. Disease mechanism: loss of function.

Submissions (2):

Ambry Genetics
Classification: Uncertain significance for Cardiovascular phenotype. Last evaluated: 2026-08-09. Review status: criteria provided, single submitter. Criteria: Ambry Variant Classification Scheme 2023. Collection method: clinical testing. Allele origin: germline.
Comment: The p.L534F variant (also known as c.1600C>T), located in coding exon 12 of the ENG gene, results from a C to T substitution at nucleotide position 1600. The leucine at codon 534 is replaced by phenylalanine, an amino acid with highly similar properties. This amino acid position is conserved. In addition, this alteration is predicted to be tolerated by in silico analysis. Based on the available evidence, the clinical significance of this variant remains unclear.

Labcorp Genetics (formerly Invitae), Labcorp
Classification: Uncertain significance for Hereditary hemorrhagic telangiectasia. Last evaluated: 2024-01-25. Review status: criteria provided, single submitter. Criteria: Invitae Variant Classification Sherloc (09022015). Collection method: clinical testing. Allele origin: germline.
Comment: This sequence change replaces leucine, which is neutral and non-polar, with phenylalanine, which is neutral and non-polar, at codon 534 of the ENG protein (p.Leu534Phe). This variant is not present in population databases (gnomAD no frequency). This variant has not been reported in the literature in individuals affected with ENG-related conditions. Advanced modeling of protein sequence and biophysical properties (such as structural, functional, and spatial information, amino acid conservation, physicochemical variation, residue mobility, and thermodynamic stability) performed at Invitae indicates that this missense variant is not expected to disrupt ENG protein function with a negative predictive value of 95%. In summary, the available evidence is currently insufficient to determine the role of this variant in disease. Therefore, it has been classified as a Variant of Uncertain Significance.

NM_001114753.3(ENG):c.1600C>T (p.Leu534Phe)

Genes: ENG (endoglin; minus strand), LOC102723566 (uncharacterized LOC102723566; plus strand). Cytogenetic location: 9q34.11.
Variant type: single nucleotide variant.
Coding change: c.1600C>T on transcript NM_001114753.3 (MANE Select); coding-DNA position 1600, C replaced by T.
Protein change: p.Leu534Phe; replaces leucine 534 with phenylalanine.
Molecular consequence: missense variant.
Genome position (GRCh38, 1-based): chr9:127,818,206, G>A on the plus strand (C>T on the coding strand, the complement: ENG is on the minus strand). VCF-style: chr9-127818206-G-A. GRCh37 (hg19) VCF-style: chr9-130580485-G-A.
Other names: c.1600C>T (NM_001114753.1); c.1600C>T, p.Leu534Phe (NM_000118.4); c.1054C>T, p.Leu352Phe (NM_001278138.2); short protein forms L534F, L352F.
Identifiers: ClinVar variation 2920097 (VCV002920097.4), dbSNP rs2539059327, ClinGen allele CA374974382.
Genomic context (GRCh38, chr9:127,818,206, plus strand): 5'-GCAGGGCTACCGTGCAGCTGAGGGTGCCGGTTTTGGGTATGGGTACTGTGTAGAAGTGGA[G>A]GAGGAAGCTGAAGCGCGGGTCACCCTCGGGGCTTGGGGACAGCAGGCTCACACAGTTGCC-3'
Protein context (NP_001108225.1, residues 524-544): PEGDPRFSFL[Leu534Phe]HFYTVPIPKT